The following is an entry in ClinVar:

NM_024675.4(PALB2):c.1289dup (p.Ser431fs)

Gene: PALB2 (partner and localizer of BRCA2; minus strand). Cytogenetic location: 16p12.2.
Variant type: Duplication.
Coding change: c.1289dup on transcript NM_024675.4 (MANE Select); coding-DNA position 1289, one base duplicated (A; older notation c.1289dupA).
Protein change: p.Ser431fs; shifts the reading frame from serine 431.
Molecular consequence: frameshift variant.
Genome position (GRCh38, 1-based): chr16:23,635,257, T duplicated on the plus strand (A on the coding strand, the reverse complement: PALB2 is on the minus strand). VCF-style (leftmost placement, unchanged base first): chr16-23635256-C-CT. GRCh37 (hg19) VCF-style: chr16-23646577-C-CT.
Other names: c.1229dup, p.Ser411Glufs (NM_001407296.1); c.1289dup, p.Ser431Glufs (NM_001407297.1, NM_001407298.1, NM_001407299.1 and 3 more transcripts); c.404dup, p.Ser136Glufs (NM_001407304.1, NM_001407305.1, NM_001407306.1 and 5 more transcripts); c.1289dupA (NM_024675.3); short protein forms S431fs.
Identifiers: ClinVar variation 1769039 (VCV001769039.2), dbSNP rs2506482646, ClinGen allele CA2580091295.

ClinVar aggregate classification (germline): Pathogenic (1 of 4 stars; one submission).

Conditions:
Hereditary cancer-predisposing syndrome. Also called: Hereditary Cancer Syndrome; Hereditary neoplastic syndrome; Neoplastic Syndromes, Hereditary; Tumor predisposition. Identifiers: Orphanet 140162, MedGen C0027672, MeSH D009386, MONDO:0015356.

Submission:

Ambry Genetics
Classification: Pathogenic for Hereditary cancer-predisposing syndrome. Last evaluated: 2022-10-21. Review status: criteria provided, single submitter. Criteria: Ambry Variant Classification Scheme 2023. Collection method: clinical testing. Allele origin: germline.
Comment: The c.1289dupA pathogenic mutation, located in coding exon 4 of the PALB2 gene, results from a duplication of A at nucleotide position 1289, causing a translational frameshift with a predicted alternate stop codon (p.S431Efs*11). This alteration is expected to result in loss of function by premature protein truncation or nonsense-mediated mRNA decay. As such, this alteration is interpreted as a disease-causing mutation.